The following is an entry in ClinVar:

NM_003470.3(USP7):c.383+10_383+11insGTTTAAATGATGCAACTGCAAACCCCCACATCGTT

Gene: USP7 (ubiquitin specific peptidase 7; minus strand). Cytogenetic location: 16p13.2.
Variant type: Insertion.
Coding change: c.383+10_383+11insGTTTAAATGATGCAACTGCAAACCCCCACATCGTT on transcript NM_003470.3 (MANE Select); bases 10 to 11 of the intron after coding-DNA position 383, GTTTAAATGATGCAACTGCAAACCCCCACATCGTT inserted.
Molecular consequence: intron variant.
Genome position: GRCh38: chr16:8,923,206-8,923,207. GRCh37 (hg19): chr16:9,017,063-9,017,064.
Other names: c.209+10_209+11insGTTTAAATGATGCAACTGCAAACCCCCACATCGTT (NM_001321858.2); c.335+10_335+11insGTTTAAATGATGCAACTGCAAACCCCCACATCGTT (NM_001286457.2); c.86+10_86+11insGTTTAAATGATGCAACTGCAAACCCCCACATCGTT (NM_001286458.2).
Identifiers: ClinVar variation 2869494 (VCV002869494.3), dbSNP rs55688889, ClinGen allele CA974447964.

ClinVar aggregate classification (germline): Uncertain significance (1 of 4 stars; one submission).

Submission:

Labcorp Genetics (formerly Invitae), Labcorp
Classification: Uncertain significance. Last evaluated: 2024-01-08. Review status: criteria provided, single submitter. Criteria: Invitae Variant Classification Sherloc (09022015). Collection method: clinical testing. Allele origin: germline.
Comment: This sequence change falls in intron 3 of the USP7 gene. It does not directly change the encoded amino acid sequence of the USP7 protein. This variant is not present in population databases (gnomAD no frequency). This variant has not been reported in the literature in individuals affected with USP7-related conditions. Experimental studies and prediction algorithms are not available or were not evaluated, and the effect of this variant on mRNA splicing is currently unknown. In summary, the available evidence is currently insufficient to determine the role of this variant in disease. Therefore, it has been classified as a Variant of Uncertain Significance.